The following is an entry in ClinVar:

ClinVar aggregate classification (germline): Uncertain significance (1 of 4 stars; one submission).

gnomAD v4.1: 21 of 1,551,504 alleles (0.0014%); highest among the groups gnomAD compares: East Asian, 0.02%; no homozygotes.

Submission:

Dasa
Classification: Uncertain significance. Last evaluated: 2025-07-15. Review status: criteria provided, single submitter. Criteria: DASA Assertion Criteria. Collection method: clinical testing. Allele origin: germline.
Comment: NM_144666.3(DNHD1):c.3686T>C (p.Leu1229Ser) is a missense variant that results in the substitution of leucine with serine. This variant is rare in population databases. Computational prediction algorithms are consistent with a benign effect. The currently available literature and clinical evidence are not sufficient to establish a definitive association between this variant and the reported condition. Therefore, this variant is classified as a variant of uncertain significance.

NM_144666.3(DNHD1):c.3686T>C (p.Leu1229Ser)

Gene: DNHD1 (dynein heavy chain domain 1; plus strand). Cytogenetic location: 11p15.4.
Variant type: single nucleotide variant.
Coding change: c.3686T>C on transcript NM_144666.3 (MANE Select); coding-DNA position 3686, T replaced by C.
Protein change: p.Leu1229Ser; replaces leucine 1229 with serine.
Molecular consequence: missense variant.
Genome position (GRCh38, 1-based): chr11:6,544,178, T>C. VCF-style: chr11-6544178-T-C. GRCh37 (hg19) VCF-style: chr11-6565408-T-C.
Other names: short protein forms L1229S.
Identifiers: ClinVar variation 4885647 (VCV004885647.2).
Genomic context (GRCh38, chr11:6,544,178, plus strand): 5'-TAGATTACAGCAACCTGCAGGATTCCATCCAGGAAAGTCTTCAGGTGTTGTCCAAGATCT[T>C]GGCCATCGAAAAGTCAGGAGATTTAAACAAAATAGCTTTGGAGTGGGTGGCCATCATGCA-3'
Protein context (NP_653267.2, residues 1219-1239): QESLQVLSKI[Leu1229Ser]AIEKSGDLNK